The following is an entry in ClinVar:

ClinVar aggregate classification (germline): Conflicting classifications of pathogenicity. Review status: criteria provided, conflicting classifications (1 of 4 stars). 5 submissions from 5 submitters: Pathogenic (1); Likely pathogenic (3); Uncertain significance (1). Last evaluated 2025-10-27.

Conditions:
Glycogen storage disease, type IV (GSD4). Also called: Glycogen storage disease due to glycogen branching enzyme deficiency; AMYLOPECTINOSIS; ANDERSEN DISEASE; BRANCHER DEFICIENCY; CIRRHOSIS, FAMILIAL, WITH DEPOSITION OF ABNORMAL GLYCOGEN; GBE1 DEFICIENCY. Identifiers: Orphanet 367, MedGen C0017923, MONDO:0009292, OMIM 232500.
Glycogen storage disease IV, classic hepatic. Also called: GSD IV, CLASSIC HEPATIC. Identifiers: MedGen C1856301.

Allele frequency attached by ClinVar (database versions not stated): gnomAD exomes below 0.00001; ExAC 0.00001.
gnomAD v4.1: 1 of 1,605,608 alleles (0.000062%); highest among the groups gnomAD compares: East Asian, 0.0022%; no homozygotes.

Submissions (5):

Women's Health and Genetics/Laboratory Corporation of America, LabCorp
Classification: Likely pathogenic for Glycogen storage disease, type IV. Last evaluated: 2025-10-27. Review status: criteria provided, single submitter. Criteria: LabCorp Variant Classification Summary - May 2015. Collection method: clinical testing. Allele origin: germline.
Comment: Variant summary: GBE1 c.791G>A (p.Gly264Glu) results in a non-conservative amino acid change in the encoded protein sequence. Algorithms developed to predict the effect of missense changes on protein structure and function all suggest that this variant is likely to be disruptive. The variant allele was found at a frequency of 4.2e-06 in 238438 control chromosomes (gnomAD). c.791G>A has been observed in individuals affected with Glycogen Storage Disease, Type IV (Ban_2009, Choi_2018). These data indicate that the variant may be associated with disease. To our knowledge, no experimental evidence demonstrating an impact on protein function has been reported. The following publications have been ascertained in the context of this evaluation (PMID: 20479904, 30345254). ClinVar contains an entry for this variant (Variation ID: 1074028). Based on the evidence outlined above, the variant was classified as likely pathogenic.

Natera, Inc.
Classification: Likely pathogenic for Glycogen storage disease type IV. Last evaluated: 2025-01-16. Review status: criteria provided, single submitter. Criteria: Natera Variant Classification Schema (03/2026). Collection method: clinical testing. Allele origin: germline.
Comment: The c.791G>A variant in GBE1 is a missense variant predicted to cause substitution of glycine to glutamic acid at amino acid 264. This variant is rare in the general population with a frequency below the threshold expected for the associated phenotype(s). This variant has been observed in one or more individuals affected with the associated recessive disease, as either homozygous or compound heterozygous with a second variant (PMID: 30345254, 20479904). This variant has been identified in one or more affected individuals with a phenotype highly consistent with the associated gene (PMID: 20479904, 30345254). Computational prediction algorithms indicate this variant is likely to affect gene or protein function. Given the available evidence, this variant is classified as Likely Pathogenic.

Baylor Genetics
Classification: Likely pathogenic for Glycogen storage disease, type IV. Last evaluated: 2023-07-06. Review status: criteria provided, single submitter. Criteria: ACMG Guidelines, 2015. Collection method: clinical testing. Allele origin: unknown.

Labcorp Genetics (formerly Invitae), Labcorp
Classification: Pathogenic for Glycogen storage disease, type IV; Glycogen storage disease IV, classic hepatic. Last evaluated: 2022-12-21. Review status: criteria provided, single submitter. Criteria: Invitae Variant Classification Sherloc (09022015). Collection method: clinical testing. Allele origin: germline.
Comment: This variant is present in population databases (rs754525424, gnomAD 0.006%). This sequence change replaces glycine, which is neutral and non-polar, with glutamic acid, which is acidic and polar, at codon 264 of the GBE1 protein (p.Gly264Glu). This missense change has been observed in individual(s) with glycogen storage disease type IV (PMID: 20479904, 30345254). In at least one individual the data is consistent with being in trans (on the opposite chromosome) from a pathogenic variant. For these reasons, this variant has been classified as Pathogenic. Advanced modeling of protein sequence and biophysical properties (such as structural, functional, and spatial information, amino acid conservation, physicochemical variation, residue mobility, and thermodynamic stability) performed at Invitae indicates that this missense variant is expected to disrupt GBE1 protein function. ClinVar contains an entry for this variant (Variation ID: 1074028).

Broad Center for Mendelian Genomics, Broad Institute of MIT and Harvard
Classification: Uncertain significance for Glycogen storage disease, type IV. Last evaluated: 2022-01-27. Review status: criteria provided, single submitter. Criteria: ACMG Guidelines, 2015. Collection method: curation. Allele origin: germline. Inheritance: Autosomal recessive inheritance.
Comment: The p.Gly264Glu variant in GBE1 has been reported in 2 individuals with glycogen storage disease type IV (GSD IV) (PMID: 20479904, 30345254) and has been identified in 0.006% (1/17092) of East Asian chromosomes by the Genome Aggregation Database (gnomAD; dbSNP ID: rs754525424). Although this variant has been seen in the general population in a heterozygous state, its frequency is low enough to be consistent with a recessive carrier frequency. Of the 2 affected individuals, 1 was a homozygote, which increases the likelihood that the p.Gly264Glu variant is pathogenic (PMID: 30345254). This variant has also been reported in ClinVar (Variation ID#: 1074028) and has been interpreted as pathogenic by Invitae. Computational prediction tools and conservation analyses suggest that this variant may impact the protein, though this information is not predictive enough to determine pathogenicity. In summary, the clinical significance of the p.Gly264Glu variant is uncertain. ACMG/AMP Criteria applied: PP3, PM2_supporting, PM3_supporting (Richards 2015).

Literature cited by the submitters: PubMed 20479904 (cited by 3 submitters); PubMed 30345254 (cited by 3 submitters).

NM_000158.4(GBE1):c.791G>A (p.Gly264Glu)

Gene: GBE1 (1,4-alpha-glucan branching enzyme 1; minus strand). Cytogenetic location: 3p12.2.
Variant type: single nucleotide variant.
Coding change: c.791G>A on transcript NM_000158.4 (MANE Select); coding-DNA position 791, G replaced by A.
Protein change: p.Gly264Glu; replaces glycine 264 with glutamic acid.
Molecular consequence: missense variant.
Genome position (GRCh38, 1-based): chr3:81,642,982, C>T on the plus strand (G>A on the coding strand, the complement: GBE1 is on the minus strand). VCF-style: chr3-81642982-C-T. GRCh37 (hg19) VCF-style: chr3-81692133-C-T.
Other names: NM_000158.4(GBE1):c.791G>A; p.Gly264Glu; c.791G>A (NM_000158.3); short protein forms G264E.
Identifiers: ClinVar variation 1074028 (VCV001074028.8), dbSNP rs754525424, ClinGen allele CA2499854.